The following is an entry in ClinVar:

ClinVar aggregate classification (germline): Pathogenic (1 of 4 stars; one submission).

Submission:

Labcorp Genetics (formerly Invitae), Labcorp
Classification: Pathogenic. Last evaluated: 2024-05-09. Review status: criteria provided, single submitter. Criteria: Invitae Variant Classification Sherloc (09022015). Collection method: clinical testing. Allele origin: germline.
Comment: This sequence change creates a premature translational stop signal (p.Ile1280Thrfs*10) in the DCHS1 gene. It is expected to result in an absent or disrupted protein product. Loss-of-function variants in DCHS1 are known to be pathogenic (PMID: 24056717, 26258302). This variant is not present in population databases (gnomAD no frequency). This variant has not been reported in the literature in individuals affected with DCHS1-related conditions. For these reasons, this variant has been classified as Pathogenic.

Literature cited by the submitters: PubMed 24056717; PubMed 26258302.

NM_003737.4(DCHS1):c.3839del (p.Ile1280fs)

Gene: DCHS1 (dachsous cadherin-related 1; minus strand). Cytogenetic location: 11p15.4.
Variant type: Deletion.
Coding change: c.3839del on transcript NM_003737.4 (MANE Select); coding-DNA position 3839, one base deleted (T; older notation c.3839delT).
Protein change: p.Ile1280fs; shifts the reading frame from isoleucine 1280.
Molecular consequence: frameshift variant.
Genome position (GRCh38, 1-based): chr11:6,631,144, A deleted on the plus strand (T on the coding strand, the reverse complement: DCHS1 is on the minus strand). VCF-style (leftmost placement, unchanged base first): chr11-6631143-GA-G. GRCh37 (hg19) VCF-style: chr11-6652374-GA-G.
Other names: short protein forms I1280fs.
Identifiers: ClinVar variation 3652869 (VCV003652869.2).